The following is an entry in ClinVar:

NM_001182.5(ALDH7A1):c.908T>C (p.Ile303Thr)

Gene: ALDH7A1 (aldehyde dehydrogenase 7 family member A1; minus strand). Cytogenetic location: 5q23.2.
Variant type: single nucleotide variant.
Coding change: c.908T>C on transcript NM_001182.5 (MANE Select); coding-DNA position 908, T replaced by C.
Protein change: p.Ile303Thr; replaces isoleucine 303 with threonine.
Molecular consequence: missense variant.
Genome position (GRCh38, 1-based): chr5:126,561,088, A>G on the plus strand (T>C on the coding strand, the complement: ALDH7A1 is on the minus strand). VCF-style: chr5-126561088-A-G. GRCh37 (hg19) VCF-style: chr5-125896780-A-G.
Other names: c.824T>C, p.Ile275Thr (NM_001201377.2); c.908T>C, p.Ile303Thr (NM_001202404.2); short protein forms I303T, I275T.
Identifiers: ClinVar variation 1511589 (VCV001511589.8), dbSNP rs2112771278, ClinGen allele CA360726884.
Genomic context (GRCh38, chr5:126,561,088, plus strand): 5'-ATGGCGACTGTGGAAACTGAACAGAAAACAAACAAAAACAAAGAGGCAGCCTTACCAATA[A>G]TGGCATTGTTTCCTCCAAGTTCCAACAGACTTCTCCCTTAAAAGAAAAAAATTATATATA-3'
Protein context (NP_001173.2, residues 293-313): SLLELGGNNA[Ile303Thr]IAFEDADLSL

ClinVar aggregate classification (germline): Uncertain significance (1 of 4 stars; one submission).

Conditions:
Pyridoxine-dependent epilepsy (EPEO4). Also called: Pyridoxine-Dependent Seizures; Pyridoxine-Dependent Epilepsy - ALDH7A1; PYRIDOXINE DEPENDENCY WITH SEIZURES; EPILEPSY, EARLY-ONSET, 4, VITAMIN B6-DEPENDENT. Identifiers: Orphanet 3006, MedGen C1849508, MONDO:0009945, OMIM 266100. Disease mechanism: loss of function.

Submission:

Labcorp Genetics (formerly Invitae), Labcorp
Classification: Uncertain significance for Pyridoxine-dependent epilepsy. Last evaluated: 2020-12-24. Review status: criteria provided, single submitter. Criteria: Invitae Variant Classification Sherloc (09022015). Collection method: clinical testing. Allele origin: germline.
Comment: This sequence change replaces isoleucine with threonine at codon 303 of the ALDH7A1 protein (p.Ile303Thr). The isoleucine residue is highly conserved and there is a moderate physicochemical difference between isoleucine and threonine. This variant is not present in population databases (ExAC no frequency). This variant has not been reported in the literature in individuals with ALDH7A1-related conditions. Advanced modeling of protein sequence and biophysical properties (such as structural, functional, and spatial information, amino acid conservation, physicochemical variation, residue mobility, and thermodynamic stability) performed at Invitae indicates that this missense variant is expected to disrupt ALDH7A1 protein function. In summary, the available evidence is currently insufficient to determine the role of this variant in disease. Therefore, it has been classified as a Variant of Uncertain Significance.